The following is an entry in ClinVar:

NM_032447.5(FBN3):c.2116C>T (p.Arg706Cys)

Gene: FBN3 (fibrillin 3; minus strand). Cytogenetic location: 19p13.2.
Variant type: single nucleotide variant.
Coding change: c.2116C>T on transcript NM_032447.5 (MANE Select); coding-DNA position 2116, C replaced by T.
Protein change: p.Arg706Cys; replaces arginine 706 with cysteine.
Molecular consequence: missense variant.
Genome position (GRCh38, 1-based): chr19:8,129,294, G>A on the plus strand (C>T on the coding strand, the complement: FBN3 is on the minus strand). VCF-style: chr19-8129294-G-A. GRCh37 (hg19) VCF-style: chr19-8194178-G-A.
Other names: c.2116C>T, p.Arg706Cys (NM_001321431.2); short protein forms R706C.
Identifiers: ClinVar variation 2229974 (VCV002229974.6), dbSNP rs768697878, ClinGen allele CA9153015.
Genomic context (GRCh38, chr19:8,129,294, plus strand): 5'-GCTCACCTGTGCAGTCCTTGCCTGAGGCACCTGCCTCATAACCCAGGTTGCAGACACAGC[G>A]GTAGCTGCCCCGAAGGTTCTCGCACACGCCATTGGCACAAACCTCAGGATCCAGAGCACA-3'
Protein context (NP_115823.3, residues 696-716): GVCENLRGSY[Arg706Cys]CVCNLGYEAG

ClinVar aggregate classification (germline): Uncertain significance. Review status: criteria provided, multiple submitters, no conflicts (2 of 4 stars). 2 submissions from 2 submitters: Uncertain significance (2). Last evaluated 2026-02-01.

Allele frequency attached by ClinVar (database versions not stated): gnomAD 0.00006; TOPMed 0.00008; ExAC 0.00011; gnomAD exomes 0.00003.
gnomAD v4.1: 85 of 1,614,164 alleles (0.0053%); highest among the groups gnomAD compares: East Asian, 0.049%; 1 homozygote.

Submissions (2):

Labcorp Genetics (formerly Invitae), Labcorp
Classification: Uncertain significance. Last evaluated: 2026-02-01. Review status: criteria provided, single submitter. Criteria: Invitae Variant Classification Sherloc (09022015). Collection method: clinical testing. Allele origin: germline.
Comment: This sequence change replaces arginine, which is basic and polar, with cysteine, which is neutral and slightly polar, at codon 706 of the FBN3 protein (p.Arg706Cys). This variant is present in population databases (rs768697878, gnomAD 0.1%), and has an allele count higher than expected for a pathogenic variant. This variant has not been reported in the literature in individuals affected with FBN3-related conditions. ClinVar contains an entry for this variant (Variation ID: 2229974). Invitae Evidence Modeling of protein sequence and biophysical properties (such as structural, functional, and spatial information, amino acid conservation, physicochemical variation, residue mobility, and thermodynamic stability) indicates that this missense variant is not expected to disrupt FBN3 protein function with a negative predictive value of 80%. In summary, the available evidence is currently insufficient to determine the role of this variant in disease. Therefore, it has been classified as a Variant of Uncertain Significance.

Ambry Genetics
Classification: Uncertain significance. Last evaluated: 2025-05-20. Review status: criteria provided, single submitter. Criteria: Ambry Variant Classification Scheme 2023. Collection method: clinical testing. Allele origin: germline.